The following is an entry in ClinVar:

NM_130849.4(SLC39A4):c.796_797dup (p.Trp266fs)

Gene: SLC39A4 (solute carrier family 39 member 4; minus strand). Cytogenetic location: 8q24.3.
Variant type: Microsatellite.
Coding change: c.796_797dup on transcript NM_130849.4 (MANE Select); coding-DNA positions 796 to 797, 2 bases duplicated (TG; older notation c.796_797dupTG).
Protein change: p.Trp266fs; shifts the reading frame from tryptophan 266.
Molecular consequence: frameshift variant.
Genome position (GRCh38, 1-based): chr8:144,414,981-144,414,982, CA duplicated on the plus strand (TG on the coding strand, the reverse complement: SLC39A4 is on the minus strand); duplicating any 2 consecutive bases within chr8:144,414,981-144,414,987 gives the same sequence; the c. name uses the placement nearest the transcript's 3' end. VCF-style (leftmost placement, unchanged base first): chr8-144414980-C-CCA. GRCh37 (hg19) VCF-style: chr8-145640364-C-CCA.
Other names: c.514_515dup, p.Trp172fs (NM_001374839.1); c.721_722dup, p.Trp241fs (NM_017767.3); short protein forms W241fs, W172fs, W266fs.
Identifiers: ClinVar variation 2018854 (VCV002018854.4), dbSNP rs2537434438, ClinGen allele CA2580616135.
Genomic context (GRCh38, chr8:144,414,980, plus strand): 5'-AGGGGCCCAAGCAGACCCCGGTGAGGCCCCATCTTACCCCAGGGCGCAGCTCACCGTGTC[C>CCA]CACACACTGGAGCTGTTGCTGGAGCTGATGAGGGGCACAGGGTCCCGGCTGCTGGCTCCC-3'

ClinVar aggregate classification (germline): Pathogenic (1 of 4 stars; one submission).

Submission:

Labcorp Genetics (formerly Invitae), Labcorp
Classification: Pathogenic. Last evaluated: 2022-07-30. Review status: criteria provided, single submitter. Criteria: Invitae Variant Classification Sherloc (09022015). Collection method: clinical testing. Allele origin: germline.
Comment: This sequence change creates a premature translational stop signal (p.Trp266Cysfs*7) in the SLC39A4 gene. It is expected to result in an absent or disrupted protein product. Loss-of-function variants in SLC39A4 are known to be pathogenic (PMID: 12955721). For these reasons, this variant has been classified as Pathogenic. This variant has not been reported in the literature in individuals affected with SLC39A4-related conditions. This variant is not present in population databases (gnomAD no frequency).

Literature cited by the submitters: PubMed 12955721.